The following is an entry in ClinVar:

ClinVar aggregate classification (germline): Pathogenic. Review status: criteria provided, single submitter (1 of 4 stars). 2 submissions from 2 submitters: Pathogenic (1). 1 of the submissions does not count toward it. Last evaluated 2025-11-19.

Conditions:
Osteogenesis imperfecta type I (OI1). Also called: OI, TYPE I; OSTEOGENESIS IMPERFECTA TARDA; OSTEOGENESIS IMPERFECTA WITH BLUE SCLERAE; Osteogenesis imperfecta type 1; Lobstein's Disease; Lobstein disease. Identifiers: Orphanet 216796, Orphanet 666, MedGen C0023931, MONDO:0008146, OMIM 166200. Disease mechanism: loss of function.

Submissions (2):

Labcorp Genetics (formerly Invitae), Labcorp
Classification: Pathogenic for Osteogenesis imperfecta type I. Last evaluated: 2025-11-19. Review status: criteria provided, single submitter. Criteria: Invitae Variant Classification Sherloc (09022015). Collection method: clinical testing. Allele origin: germline.
Comment: This sequence change affects an acceptor splice site in intron 40 of the COL1A1 gene. It is expected to disrupt RNA splicing. Variants that disrupt the donor or acceptor splice site typically lead to a loss of protein function (PMID: 16199547), and loss-of-function variants in COL1A1 are known to be pathogenic (PMID: 7942841, 9295084, 9443882). This variant is not present in population databases (gnomAD no frequency). Disruption of this splice site has been observed in individuals with osteogenesis imperfecta type 1 (PMID: 25963598). ClinVar contains an entry for this variant (Variation ID: 1806452). Algorithms developed to predict the effect of sequence changes on RNA splicing suggest that this variant may disrupt the consensus splice site. For these reasons, this variant has been classified as Pathogenic.

Molecular Genetics laboratory, Necker Hospital
Classification: Likely pathogenic for Osteogenesis imperfecta type I. Review status: no assertion criteria provided. Collection method: clinical testing. Allele origin: unknown. Inheritance: Autosomal dominant inheritance. Affected: yes. Observed: 1 heterozygote. Not counted in ClinVar's aggregate classification.

Literature cited by the submitters: PubMed 16199547 (cited by Labcorp Genetics (formerly Invitae), Labcorp); PubMed 7942841 (cited by Labcorp Genetics (formerly Invitae), Labcorp); PubMed 9295084 (cited by Labcorp Genetics (formerly Invitae), Labcorp); PubMed 9443882 (cited by Labcorp Genetics (formerly Invitae), Labcorp); PubMed 25963598 (cited by Labcorp Genetics (formerly Invitae), Labcorp).

NM_000088.4(COL1A1):c.2938-1G>A

Gene: COL1A1 (collagen type I alpha 1 chain; minus strand). Cytogenetic location: 17q21.33.
Variant type: single nucleotide variant.
Coding change: c.2938-1G>A on transcript NM_000088.4 (MANE Select); the canonical splice acceptor site of the intron before coding-DNA position 2938, G replaced by A.
Molecular consequence: splice acceptor variant.
Genome position (GRCh38, 1-based): chr17:50,189,011, C>T on the plus strand (G>A on the coding strand, the complement: COL1A1 is on the minus strand). VCF-style: chr17-50189011-C-T. GRCh37 (hg19) VCF-style: chr17-48266372-C-T.
Identifiers: ClinVar variation 1806452 (VCV001806452.3), dbSNP rs2509180826, ClinGen allele CA400204455.